The following is an entry in ClinVar:

NM_020937.4(FANCM):c.1156C>T (p.Leu386Phe)

Gene: FANCM (FA complementation group M; plus strand). Cytogenetic location: 14q21.2.
Variant type: single nucleotide variant.
Coding change: c.1156C>T on transcript NM_020937.4 (MANE Select); coding-DNA position 1156, C replaced by T.
Protein change: p.Leu386Phe; replaces leucine 386 with phenylalanine.
Molecular consequence: missense variant.
Genome position (GRCh38, 1-based): chr14:45,154,025, C>T. VCF-style: chr14-45154025-C-T. GRCh37 (hg19) VCF-style: chr14-45623228-C-T.
Other names: c.1078C>T, p.Leu360Phe (NM_001308133.2); c.1156C>T, p.Leu386Phe (NM_001308134.2); short protein forms L386F, L360F.
Identifiers: ClinVar variation 4022876 (VCV004022876.1).
Genomic context (GRCh38, chr14:45,154,025, plus strand): 5'-AGTTTATATCATGGTTATGAATTATTGCAGCAAATGGGAATGAGATCATTATATTTCTTC[C>T]TTTGTGGAATTATGGATGGAACTAAAGGTAAATTATATCAAATTATTTAAAGAAATAATG-3'
Protein context (NP_065988.1, residues 376-396): QMGMRSLYFF[Leu386Phe]CGIMDGTKGM

ClinVar aggregate classification (germline): Uncertain significance (1 of 4 stars; one submission).

Conditions:
Inborn genetic diseases. Identifiers: MedGen C0950123, MeSH D030342.

Submission:

Ambry Genetics
Classification: Uncertain significance for Inborn genetic diseases. Last evaluated: 2025-06-10. Review status: criteria provided, single submitter. Criteria: Ambry Variant Classification Scheme 2023. Collection method: clinical testing. Allele origin: germline.
Comment: The p.L386F variant (also known as c.1156C>T), located in coding exon 6 of the FANCM gene, results from a C to T substitution at nucleotide position 1156. The leucine at codon 386 is replaced by phenylalanine, an amino acid with highly similar properties. This amino acid position is conserved. In addition, this alteration is predicted to be tolerated by in silico analysis. Based on the available evidence, the clinical significance of this variant remains unclear.